The following is an entry in ClinVar:

NM_012470.4(TNPO3):c.553-300A>G

Gene: TNPO3 (transportin 3; minus strand). Cytogenetic location: 7q32.1.
Variant type: single nucleotide variant.
Coding change: c.553-300A>G on transcript NM_012470.4 (MANE Select); 300 bases into the intron before coding-DNA position 553, A replaced by G.
Molecular consequence: intron variant.
Genome position (GRCh38, 1-based): chr7:129,005,459, T>C on the plus strand (A>G on the coding strand, the complement: TNPO3 is on the minus strand). VCF-style: chr7-129005459-T-C. GRCh37 (hg19) VCF-style: chr7-128645513-T-C.
Other names: c.553-4225A>G (NM_001382221.1); c.553-300A>G (NM_001382222.1, NM_001382219.1, NM_001382223.1 and 4 more transcripts); c.634-300A>G (NM_001382217.1).
Identifiers: ClinVar variation 668974 (VCV000668974.1), dbSNP rs10954215, ClinGen allele CA12482284.

ClinVar aggregate classification (germline): Benign (1 of 4 stars; one submission).

Allele frequency attached by ClinVar (database versions not stated): 1000 Genomes Project 30x 0.54794; 1000 Genomes Project 0.55052; TOPMed 0.58687; gnomAD 0.59204 and 0.59377.
gnomAD v4.1: 90,047 of 151,976 alleles (59%); highest among the groups gnomAD compares: South Asian, 62%; 26,883 homozygotes.

Submission:

GeneDx
Classification: Benign. Last evaluated: 2018-06-19. Review status: criteria provided, single submitter. Criteria: GeneDx Variant Classification (06012015). Collection method: clinical testing. Allele origin: germline. Affected: yes.
Comment: This variant is considered likely benign or benign based on one or more of the following criteria: it is a conservative change, it occurs at a poorly conserved position in the protein, it is predicted to be benign by multiple in silico algorithms, and/or has population frequency not consistent with disease.